The following is an entry in ClinVar:

ClinVar aggregate classification (germline): Benign (3 of 4 stars; one submission).

Conditions:
Breast-ovarian cancer, familial, susceptibility to, 2 (BROVCA2). Also called: BRCA2 Hereditary Breast and Ovarian Cancer. Identifiers: Orphanet 145, MedGen C2675520, MONDO:0012933, OMIM 612555. Disease mechanism: loss of function.

Allele frequency attached by ClinVar (database versions not stated): gnomAD 0.00075 and 0.00111; TOPMed 0.00164; 1000 Genomes Project 30x 0.00468; 1000 Genomes Project 0.00559.
gnomAD v4.1: 166 of 151,940 alleles (0.11%); highest among the groups gnomAD compares: East Asian, 2.7%; 2 homozygotes.

Submission:

Evidence-based Network for the Interpretation of Germline Mutant Alleles (ENIGMA)
Classification: Benign for Breast-ovarian cancer, familial 2. Last evaluated: 2015-01-12. Review status: reviewed by expert panel. Criteria: ENIGMA BRCA1/2 Classification Criteria (2015). Collection method: curation. Allele origin: germline.
Comment: Class 1 not pathogenic based on frequency >1% in an outbred sampleset. Frequency 0.0507 (Asian), derived from 1000 genomes (2012-04-30).

NM_000059.4(BRCA2):c.9256+631G>A

Gene: BRCA2 (BRCA2 DNA repair associated; plus strand). Cytogenetic location: 13q13.1.
Variant type: single nucleotide variant.
Coding change: c.9256+631G>A on transcript NM_000059.4 (MANE Select); 631 bases into the intron after coding-DNA position 9256, G replaced by A.
Molecular consequence: intron variant.
Genome position (GRCh38, 1-based): chr13:32,380,776, G>A. VCF-style: chr13-32380776-G-A. GRCh37 (hg19) VCF-style: chr13-32954913-G-A.
Other names: IVS 24+631G>A.
Identifiers: ClinVar variation 209850 (VCV000209850.1), dbSNP rs141669194, ClinGen allele CA276818.